The following is an entry in ClinVar:

NM_001571.6(IRF3):c.287G>A (p.Arg96Gln)

Gene: IRF3 (interferon regulatory factor 3; minus strand). Cytogenetic location: 19q13.33.
Variant type: single nucleotide variant.
Coding change: c.287G>A on transcript NM_001571.6 (MANE Select); coding-DNA position 287, G replaced by A.
Protein change: p.Arg96Gln; replaces arginine 96 with glutamine.
Molecular consequence: missense variant. On other transcripts: 5 prime UTR variant (2), non-coding transcript variant (1), intron variant (2).
Genome position (GRCh38, 1-based): chr19:49,663,393, C>T on the plus strand (G>A on the coding strand, the complement: IRF3 is on the minus strand). VCF-style: chr19-49663393-C-T. GRCh37 (hg19) VCF-style: chr19-50166650-C-T.
Other names: c.287G>A, p.Arg96Gln (NM_001197122.2, NM_001197124.2); c.182G>A, p.Arg61Gln (NM_001197123.2); c.-152G>A (NM_001197125.2, NM_001197127.2); c.-101-135G>A (NM_001197128.2, NM_001197126.2); short protein forms R61Q, R96Q.
Identifiers: ClinVar variation 778853 (VCV000778853.6), dbSNP rs968457, ClinGen allele CA9580484.

ClinVar aggregate classification (germline): Benign. Review status: criteria provided, multiple submitters, no conflicts (2 of 4 stars). 3 submissions from 3 submitters: Benign (2). 1 of the submissions does not count toward it. Last evaluated 2018-07-31.

Conditions:
IRF3-related disorder. Also called: IRF3-related condition.

Allele frequency attached by ClinVar (database versions not stated): gnomAD exomes 0.00183 and 0.00504; ExAC 0.00616; gnomAD 0.01810 and 0.01944; ESP Exome Variant Server 0.01938; TOPMed 0.02068; 1000 Genomes Project 0.02097; 1000 Genomes Project 30x 0.02249.
gnomAD v4.1: 5,583 of 1,614,152 alleles (0.35%); highest among the groups gnomAD compares: African/African-American, 6.2%; 151 homozygotes.

Submissions (3):

Labcorp Genetics (formerly Invitae), Labcorp
Classification: Benign. Last evaluated: 2018-07-31. Review status: criteria provided, single submitter. Criteria: Invitae Variant Classification Sherloc (09022015). Collection method: clinical testing. Allele origin: germline.

Breakthrough Genomics
Classification: Benign. Review status: criteria provided, single submitter. Criteria: ACMG Guidelines, 2015. Collection method: not provided. Allele origin: germline. Inheritance: Autosomal dominant inheritance. Affected: yes.

PreventionGenetics, part of Exact Sciences
Classification: Benign for IRF3-related condition. Last evaluated: 2019-07-11. Review status: no assertion criteria provided. Collection method: clinical testing. Allele origin: germline. Not counted in ClinVar's aggregate classification.
Comment: This variant is classified as benign based on ACMG/AMP sequence variant interpretation guidelines (Richards et al. 2015 PMID: 25741868, with internal and published modifications).